The following is an entry in ClinVar:

ClinVar aggregate classification (germline): Pathogenic. Review status: criteria provided, multiple submitters, no conflicts (2 of 4 stars). 12 submissions from 12 submitters: Pathogenic (9). 3 of the submissions do not count toward it. Last evaluated 2025-06-10.

Conditions:
TPO-related disorder. Also called: TPO-related condition.
Deficiency of iodide peroxidase (TDH2A). Also called: HYPOTHYROIDISM, CONGENITAL, DUE TO DYSHORMONOGENESIS, 2A; IODIDE PEROXIDASE DEFICIENCY; Thyroid dyshormonogenesis 2A; THYROID HORMONOGENESIS, GENETIC DEFECT IN, 2A; THYROID PEROXIDASE DEFICIENCY. Identifiers: Orphanet 95716, MedGen C1291299, MONDO:0010133, OMIM 274500.

Allele frequency attached by ClinVar (database versions not stated): gnomAD exomes 0.00008 and 0.00012; TOPMed 0.00008; gnomAD 0.00010 and 0.00011; ExAC 0.00005.

Submissions (12):

PreventionGenetics, part of Exact Sciences
Classification: Pathogenic for TPO-related condition. Last evaluated: 2025-06-10. Review status: criteria provided, single submitter. Criteria: ACMG Guidelines, 2015. Collection method: clinical testing. Allele origin: germline.
Comment: The TPO c.2422delT variant is predicted to result in a frameshift and premature protein termination (p.Cys808Alafs*24). This variant has been reported in multiple individuals with congenital hypothyroidism (see for example: Bakker et al. 2000. PubMed ID: 11061528; Long et al. 2018. PubMed ID: 30022773; Makretskaya et al. 2018. PubMed ID: 30240412). Frameshift variants in TPO are expected to be pathogenic. We interpret this variant as pathogenic.

Revvity Omics, Revvity
Classification: Pathogenic. Last evaluated: 2024-10-18. Review status: criteria provided, single submitter. Criteria: ACMG Guidelines, 2015. Collection method: clinical testing. Allele origin: germline.

Dubai Health Genomic Medicine Center, Dubai Health
Classification: Pathogenic for Thyroid dyshormonogenesis 2A. Last evaluated: 2024-10-04. Review status: criteria provided, single submitter. Criteria: ACMG Guidelines, 2015. Collection method: research. Allele origin: germline. Affected: yes.
Comment: PVS1,PM3(strong),PM2

Fulgent Genetics
Classification: Pathogenic for Deficiency of iodide peroxidase. Last evaluated: 2024-05-22. Review status: criteria provided, single submitter. Criteria: ACMG Guidelines, 2015. Collection method: clinical testing. Allele origin: germline.

Labcorp Genetics (formerly Invitae), Labcorp
Classification: Pathogenic. Last evaluated: 2024-03-13. Review status: criteria provided, single submitter. Criteria: Invitae Variant Classification Sherloc (09022015). Collection method: clinical testing. Allele origin: germline.
Comment: This sequence change creates a premature translational stop signal (p.Cys808Alafs*24) in the TPO gene. It is expected to result in an absent or disrupted protein product. Loss-of-function variants in TPO are known to be pathogenic (PMID: 11061528, 23236987, 25564141). This variant is present in population databases (rs763662774, gnomAD 0.02%). This premature translational stop signal has been observed in individual(s) with TPO-related conditions (PMID: 11061528, 31430255). This variant is also known as 2512delT. ClinVar contains an entry for this variant (Variation ID: 632332). For these reasons, this variant has been classified as Pathogenic.

GeneDx
Classification: Pathogenic. Last evaluated: 2023-05-16. Review status: criteria provided, single submitter. Criteria: GeneDx Variant Classification Process June 2021. Collection method: clinical testing. Allele origin: germline. Affected: yes.
Comment: Frameshift variant predicted to result in protein truncation or nonsense mediated decay in a gene for which loss-of-function is a known mechanism of disease; This variant is associated with the following publications: (PMID: 34200080, 11061528, 15745925, 23236987, 25241611, 30022773, 30240412, 29431110, 32078117, 31430255, 34426522, 31867598)

Women's Health and Genetics/Laboratory Corporation of America, LabCorp
Classification: Pathogenic for Deficiency of iodide peroxidase. Last evaluated: 2019-04-23. Review status: criteria provided, single submitter. Criteria: LabCorp Variant Classification Summary - May 2015. Collection method: clinical testing. Allele origin: germline.
Comment: Variant summary: TPO c.2422delT (p.Cys808AlafsX24) results in a premature termination codon, predicted to cause a truncation of the encoded protein or absence of the protein due to nonsense mediated decay. The variant allele was found at a frequency of 8.1e-05 in 282790 control chromosomes (gnomAD). This frequency is not higher than expected for a pathogenic variant in TPO causing Deficiency of iodide peroxidase (8.1e-05 vs 0.0071). c.2422delT has been reported in the literature in multiple individuals affected with congenital hypothyroidism (Makretskaya_2018, Cangul_2014, Rodrigues_2005). These data indicate that the variant is very likely to be associated with disease. No clinical diagnostic laboratories have submitted clinical-significance assessments for this variant to ClinVar after 2014. Based on the evidence outlined above, the variant was classified as pathogenic.

Illumina Laboratory Services, Illumina
Classification: Pathogenic for Deficiency of iodide peroxidase. Last evaluated: 2018-10-05. Review status: criteria provided, single submitter. Criteria: ICSL Variant Classification Criteria 09 May 2019. Collection method: clinical testing. Allele origin: germline.
Comment: Across a selection of literature, the TPO c.2422delT (p.Cys808AlafsTer24) variant has been identified in a homozygous state in at least four probands, and in a compound heterozygous state in at least four probands all with congenital hypothyroidism (Bakker et al. 2000; Rodrigues et al. 2005; Cangul et al. 2013; Cangul et al. 2014). The p.Cys808AlafsTer24 variant was also found in a heterozygous state in three unaffected relatives (Rodrigues et al. 2005). This variant is reported at a frequency of 0.000195 in the South Asian population of the Genome Aggregation Database. Based on the evidence, the p.Cys808AlafsTer24 variant is classified as pathogenic for congenital hypothyroidism. This variant was observed by ICSL as part of a predisposition screen in an ostensibly healthy population.

ARUP Laboratories, Molecular Genetics and Genomics, ARUP Laboratories
Classification: Pathogenic for Deficiency of iodide peroxidase. Review status: criteria provided, single submitter. Criteria: ARUP Molecular Germline Variant Investigation Process 2024. Collection method: clinical testing. Allele origin: germline.
Comment: The TPO c.2422del; p.Cys808AlafsTer24 variant (rs763662774, ClinVar Variation ID: 632332) is reported in the literature the homozygous or compound heterozygous state in numerous individuals affected with congenital hypothyroidism (Bakker 2000, Bruellman 2020, Cangrul 2014, Makretskaya 2018). This variant is found in the general population with an overall allele frequency of 0.008% (23/282,790 alleles) in the Genome Aggregation Database (v2.1.1). This variant causes a frameshift by deleting a single nucleotide, so it is predicted to result in a truncated protein or mRNA subject to nonsense-mediated decay. Based on available information, this variant is considered to be pathogenic. References: Bakker B et al. Two decades of screening for congenital hypothyroidism in The Netherlands: TPO gene mutations in total iodide organification defects (an update). J Clin Endocrinol Metab. 2000 Oct;85(10):3708-12. PMID: 11061528. Bruellman RJ et al. Increased Prevalence of TG and TPO Mutations in Sudanese Children With Congenital Hypothyroidism. J Clin Endocrinol Metab. 2020 May 1;105(5):1564â€“72. PMID: 31867598. Cangul H et al. One Base Deletion (c.2422delT) in the TPO Gene Causes Severe Congenital Hypothyroidism. J Clin Res Pediatr Endocrinol. 2014 Sep;6(3):169-73. PMID: 25241611. Makretskaya N et al. High frequency of mutations in 'dyshormonogenesis genes' in severe congenital hypothyroidism. PLoS One. 2018 Sep 21;13(9):e0204323. PMID: 30240412.

Clinical Genetics DNA and cytogenetics Diagnostics Lab, Erasmus MC, Erasmus Medical Center
Classification: Pathogenic. Review status: no assertion criteria provided. Collection method: clinical testing. Allele origin: germline. Affected: yes. Study: VKGL Data-share Consensus. Not counted in ClinVar's aggregate classification.

Clinical Genetics, Academic Medical Center
Classification: Pathogenic. Review status: no assertion criteria provided. Collection method: clinical testing. Allele origin: germline. Affected: yes. Study: VKGL Data-share Consensus. Not counted in ClinVar's aggregate classification.

Hong-Tao Li Lab, Institute of Brain Science and Brain-inspired Research, Shandong First Medical University & Shandong Academy of Medical Sciences China
Classification: Pathogenic for Deficiency of iodide peroxidase. Review status: no assertion criteria provided. Collection method: research. Allele origin: germline. Inheritance: Autosomal recessive inheritance. Affected: yes. Observed: 1 variant allele, 1 homozygote. Not counted in ClinVar's aggregate classification.
Comment: Observed in affected individuals from a Pakistani neurodevelopmental-disorder research cohort of 263 individuals. Classification assigned using the ACMG/AMP framework.

Literature cited by the submitters: PubMed 11061528 (cited by Labcorp Genetics (formerly Invitae), Labcorp and Illumina Laboratory Services, Illumina); PubMed 23236987 (cited by Labcorp Genetics (formerly Invitae), Labcorp and Illumina Laboratory Services, Illumina); PubMed 25564141 (cited by Labcorp Genetics (formerly Invitae), Labcorp); PubMed 31430255 (cited by Labcorp Genetics (formerly Invitae), Labcorp); PubMed 30240412 (cited by Women's Health and Genetics/Laboratory Corporation of America, LabCorp); PubMed 15745925 (cited by Women's Health and Genetics/Laboratory Corporation of America, LabCorp and Illumina Laboratory Services, Illumina); PubMed 25241611 (cited by Women's Health and Genetics/Laboratory Corporation of America, LabCorp and Illumina Laboratory Services, Illumina).

NM_001206744.2(TPO):c.2422del (p.Cys808fs)

Genes: LALTOP (lung cancer associated lncRNA targeting TOP2A; minus strand), TPO (thyroid peroxidase; plus strand). Cytogenetic location: 2p25.3.
Variant type: Deletion.
Coding change: c.2422del on transcript NM_001206744.2 (MANE Select); coding-DNA position 2422, one base deleted (T; older notation c.2422delT).
Protein change: p.Cys808fs; shifts the reading frame from cysteine 808.
Molecular consequence: frameshift variant. On other transcripts: intron variant (1).
Genome position (GRCh38, 1-based): chr2:1,503,983, T deleted. VCF-style (leftmost placement, unchanged base first): chr2-1503982-CT-C. GRCh37 (hg19) VCF-style: chr2-1507754-CT-C.
Other names: c.2422del, p.Cys808fs (NM_000547.6); c.2251del, p.Cys751fs (NM_001206745.2, NM_175719.4); c.1903del, p.Cys635fs (NM_175722.3); c.2386+7218del (NM_175721.3); c.2422delT (NM_000547.5); short protein forms C635fs, C751fs, C808fs.
Identifiers: ClinVar variation 632332 (VCV000632332.22), dbSNP rs763662774, ClinGen allele CA1512120.